The following is an entry in ClinVar:

NM_013328.4(PYCR2):c.877G>T (p.Glu293Ter)

Gene: PYCR2 (pyrroline-5-carboxylate reductase 2; minus strand). Cytogenetic location: 1q42.12.
Variant type: single nucleotide variant.
Coding change: c.877G>T on transcript NM_013328.4 (MANE Select); coding-DNA position 877, G replaced by T.
Protein change: p.Glu293Ter; replaces glutamic acid 293 with a stop codon.
Molecular consequence: nonsense.
Genome position (GRCh38, 1-based): chr1:225,920,541, C>A on the plus strand (G>T on the coding strand, the complement: PYCR2 is on the minus strand). VCF-style: chr1-225920541-C-A. GRCh37 (hg19) VCF-style: chr1-226108241-C-A.
Other names: c.655G>T, p.Glu219Ter (NM_001271681.2); short protein forms E293*, E219*.
Identifiers: ClinVar variation 2201453 (VCV002201453.2), dbSNP rs773552960, ClinGen allele CA1420063.

ClinVar aggregate classification (germline): Uncertain significance (1 of 4 stars; one submission).

Allele frequency attached by ClinVar (database versions not stated): gnomAD 0.00001; gnomAD exomes 0.00001; ExAC 0.00002; TOPMed 0.00003.
gnomAD v4.1: 11 of 1,594,638 alleles (0.00069%); highest among the groups gnomAD compares: Admixed American, 0.015%; no homozygotes.

Submission:

Labcorp Genetics (formerly Invitae), Labcorp
Classification: Uncertain significance. Last evaluated: 2024-10-07. Review status: criteria provided, single submitter. Criteria: Invitae Variant Classification Sherloc (09022015). Collection method: clinical testing. Allele origin: germline.
Comment: This sequence change creates a premature translational stop signal (p.Glu293*) in the PYCR2 gene. While this is not anticipated to result in nonsense mediated decay, it is expected to disrupt the last 28 amino acid(s) of the PYCR2 protein. This variant is present in population databases (rs773552960, gnomAD 0.01%). This variant has not been reported in the literature in individuals affected with PYCR2-related conditions. ClinVar contains an entry for this variant (Variation ID: 2201453). Experimental studies and prediction algorithms are not available or were not evaluated, and the functional significance of this variant is currently unknown. Algorithms developed to predict the effect of sequence changes on RNA splicing suggest that this variant may disrupt the consensus splice site. In summary, the available evidence is currently insufficient to determine the role of this variant in disease. Therefore, it has been classified as a Variant of Uncertain Significance.